The following is an entry in ClinVar:

ClinVar aggregate classification (germline): Uncertain significance (1 of 4 stars; one submission).

Conditions:
Intellectual developmental disorder, X-linked 1. Also called: MENTAL RETARDATION, X-LINKED 18; MENTAL RETARDATION, X-LINKED 78; Atkin Flaitz Patil Smith syndrome; Intellectual disability, X-linked 1. Identifiers: Orphanet 777, MedGen C2931498, MONDO:0010656, OMIM 309530.

Allele frequency attached by ClinVar (database versions not stated): gnomAD exomes below 0.00001; TOPMed below 0.00001; gnomAD 0.00001.
gnomAD v4.1: 4 of 1,159,116 alleles (0.00035%); highest among the groups gnomAD compares: Non-Finnish European, 0.00046%; no homozygotes.

Submission:

Labcorp Genetics (formerly Invitae), Labcorp
Classification: Uncertain significance for Intellectual developmental disorder, X-linked 1. Last evaluated: 2025-07-07. Review status: criteria provided, single submitter. Criteria: Invitae Variant Classification Sherloc (09022015). Collection method: clinical testing. Allele origin: germline.
Comment: This sequence change replaces glycine, which is neutral and non-polar, with serine, which is neutral and polar, at codon 167 of the IQSEC2 protein (p.Gly167Ser). This variant is not present in population databases (gnomAD no frequency). This variant has not been reported in the literature in individuals affected with IQSEC2-related conditions. ClinVar contains an entry for this variant (Variation ID: 2737993). Invitae Evidence Modeling of protein sequence and biophysical properties (such as structural, functional, and spatial information, amino acid conservation, physicochemical variation, residue mobility, and thermodynamic stability) indicates that this missense variant is not expected to disrupt IQSEC2 protein function with a negative predictive value of 95%. In summary, the available evidence is currently insufficient to determine the role of this variant in disease. Therefore, it has been classified as a Variant of Uncertain Significance.

NM_001111125.3(IQSEC2):c.499G>A (p.Gly167Ser)

Gene: IQSEC2 (IQ motif and Sec7 domain ArfGEF 2; minus strand). Cytogenetic location: Xp11.22.
Variant type: single nucleotide variant.
Coding change: c.499G>A on transcript NM_001111125.3 (MANE Select); coding-DNA position 499, G replaced by A.
Protein change: p.Gly167Ser; replaces glycine 167 with serine.
Molecular consequence: missense variant.
Genome position (GRCh38, 1-based): chrX:53,320,625, C>T on the plus strand (G>A on the coding strand, the complement: IQSEC2 is on the minus strand). VCF-style: chrX-53320625-C-T. GRCh37 (hg19) VCF-style: chrX-53349823-C-T.
Other names: c.499G>A, p.Gly167Ser (NM_001410736.1); short protein forms G167S.
Identifiers: ClinVar variation 2737993 (VCV002737993.3), dbSNP rs2075421141, ClinGen allele CA413239205.
Genomic context (GRCh38, chrX:53,320,625, plus strand): 5'-CCGCTTCCTTCTCGCGGCCCGGGTGCGCCGGCCCGGCCTCCCGCCCGCCACGCTCGCGAC[C>T]CAGGGCTGGGTTCTCGTGGTGCAGGTGGCACTGGGCCACGTCACGCTCGCGGGCTGTGTA-3'
Protein context (NP_001104595.1, residues 157-177): CHLHHENPAL[Gly167Ser]RERGGREAGP